The following is an entry in ClinVar:

NM_022124.6(CDH23):c.8905C>T (p.Arg2969Cys)

Gene: CDH23 (cadherin related 23; plus strand). Cytogenetic location: 10q22.1.
Variant type: single nucleotide variant.
Coding change: c.8905C>T on transcript NM_022124.6 (MANE Select); coding-DNA position 8905, C replaced by T.
Protein change: p.Arg2969Cys; replaces arginine 2969 with cysteine.
Molecular consequence: missense variant.
Genome position (GRCh38, 1-based): chr10:71,810,002, C>T. VCF-style: chr10-71810002-C-T. GRCh37 (hg19) VCF-style: chr10-73569759-C-T.
Other names: c.2185C>T, p.Arg729Cys (NM_001171933.1, NM_001171934.1); c.8905C>T (NM_022124.5); short protein forms R729C, R2969C.
Identifiers: ClinVar variation 1913641 (VCV001913641.3), dbSNP rs749917137, ClinGen allele CA5546788.
Genomic context (GRCh38, chr10:71,810,002, plus strand): 5'-TACATCCTGAGGGACGACCAGCGCGTCAAGATCGTCATTAACGAGATCCCCGACCGTGTG[C>T]GCGGCTTCGAGGAGGAGTTCATCCACCTGCTCTCCAACATCACTGGGGCCATTGTCAATA-3'
Protein context (NP_071407.4, residues 2959-2979): IVINEIPDRV[Arg2969Cys]GFEEEFIHLL

ClinVar aggregate classification (germline): Uncertain significance. Review status: criteria provided, multiple submitters, no conflicts (2 of 4 stars). 2 submissions from 2 submitters: Uncertain significance (2). Last evaluated 2024-03-09.

Allele frequency attached by ClinVar (database versions not stated): ExAC 0.00002; gnomAD 0.00002.

Submissions (2):

GeneDx
Classification: Uncertain significance. Last evaluated: 2024-03-09. Review status: criteria provided, single submitter. Criteria: GeneDx Variant Classification Process June 2021. Collection method: clinical testing. Allele origin: germline. Affected: yes.
Comment: Not observed at significant frequency in large population cohorts (gnomAD); In silico analysis supports that this missense variant has a deleterious effect on protein structure/function; Has not been previously published as pathogenic or benign to our knowledge

Labcorp Genetics (formerly Invitae), Labcorp
Classification: Uncertain significance. Last evaluated: 2022-09-01. Review status: criteria provided, single submitter. Criteria: Invitae Variant Classification Sherloc (09022015). Collection method: clinical testing. Allele origin: germline.
Comment: This sequence change replaces arginine, which is basic and polar, with cysteine, which is neutral and slightly polar, at codon 2969 of the CDH23 protein (p.Arg2969Cys). This variant is present in population databases (rs749917137, gnomAD 0.005%). This variant has not been reported in the literature in individuals affected with CDH23-related conditions. Algorithms developed to predict the effect of missense changes on protein structure and function are either unavailable or do not agree on the potential impact of this missense change (SIFT: "Deleterious"; PolyPhen-2: "Not Available"; Align-GVGD: "Class C0"). In summary, the available evidence is currently insufficient to determine the role of this variant in disease. Therefore, it has been classified as a Variant of Uncertain Significance.